The following is an entry in ClinVar:

ClinVar aggregate classification (germline): Likely pathogenic (1 of 4 stars; one submission).

Conditions:
Neutropenia, severe congenital, 1, autosomal dominant. Identifiers: MedGen C1859966, MONDO:0042490, OMIM 202700.
Cyclical neutropenia. Also called: Cyclic hematopoiesis; Cyclic Neutropenia. Identifiers: Orphanet 2686, MedGen C0221023, MONDO:0008090, OMIM 162800, HP:0040289. Disease mechanism: loss of function.

Submission:

Labcorp Genetics (formerly Invitae), Labcorp
Classification: Likely pathogenic for Neutropenia, severe congenital, 1, autosomal dominant; Cyclical neutropenia. Last evaluated: 2022-06-20. Review status: criteria provided, single submitter. Criteria: Invitae Variant Classification Sherloc (09022015). Collection method: clinical testing. Allele origin: germline.
Comment: This missense change has been observed in individuals with severe congenital neutropenia or cyclic neutropenia (PMID: 14962902, 23463630, 34340247; Invitae). This variant is not present in population databases (gnomAD no frequency). This sequence change replaces phenylalanine, which is neutral and non-polar, with leucine, which is neutral and non-polar, at codon 43 of the ELANE protein (p.Phe43Leu). This variant is also known as ELA2 p.F14L. In summary, the currently available evidence indicates that the variant is pathogenic, but additional data are needed to prove that conclusively. Therefore, this variant has been classified as Likely Pathogenic. This variant disrupts the p.Phe43 amino acid residue in ELANE. Other variant(s) that disrupt this residue have been observed in individuals with ELANE-related conditions (PMID: 31321910), which suggests that this may be a clinically significant amino acid residue. Algorithms developed to predict the effect of missense changes on protein structure and function are either unavailable or do not agree on the potential impact of this missense change (SIFT: "Deleterious"; PolyPhen-2: "Possibly Damaging"; Align-GVGD: "Class C0").

Literature cited by the submitters: PubMed 14962902; PubMed 23463630; PubMed 34340247; PubMed 31321910.

NM_001972.4(ELANE):c.127T>C (p.Phe43Leu)

Gene: ELANE (elastase, neutrophil expressed; plus strand). Cytogenetic location: 19p13.3.
Variant type: single nucleotide variant.
Coding change: c.127T>C on transcript NM_001972.4 (MANE Select); coding-DNA position 127, T replaced by C.
Protein change: p.Phe43Leu; replaces phenylalanine 43 with leucine.
Molecular consequence: missense variant.
Genome position (GRCh38, 1-based): chr19:852,935, T>C. VCF-style: chr19-852935-T-C. GRCh37 (hg19) VCF-style: chr19-852935-T-C.
Other names: short protein forms F43L.
Identifiers: ClinVar variation 2138167 (VCV002138167.4), dbSNP rs2512164486, ClinGen allele CA402914486.